The following is an entry in ClinVar:

NM_003108.4(SOX11):c.908C>A (p.Ser303Ter)

Gene: SOX11 (SRY-box transcription factor 11; plus strand). Cytogenetic location: 2p25.2.
Variant type: single nucleotide variant.
Coding change: c.908C>A on transcript NM_003108.4 (MANE Select); coding-DNA position 908, C replaced by A.
Protein change: p.Ser303Ter; replaces serine 303 with a stop codon.
Molecular consequence: nonsense.
Genome position (GRCh38, 1-based): chr2:5,693,629, C>A. VCF-style: chr2-5693629-C-A. GRCh37 (hg19) VCF-style: chr2-5833761-C-A.
Other names: short protein forms S303*.
Identifiers: ClinVar variation 3251948 (VCV003251948.1), dbSNP rs1252447458.
Genomic context (GRCh38, chr2:5,693,629, plus strand): 5'-GCTCGGCGGAGTCCCCCGAGGGAGCGAGCCTCTACGACGAGGTGCGGGCCGGCGCGACCT[C>A]GGGCGCCGGGGGCGGCAGCCGCCTCTACTACAGCTTCAAGAACATCACCAAGCAGCACCC-3'

ClinVar aggregate classification (germline): Pathogenic (1 of 4 stars; one submission).

Conditions:
Hypogonadotropic hypogonadism. Also called: Hypogonadotrophic hypogonadism; Isolated hypogonadotropic hypogonadism; Hypogonadotropic hypogonadism with or without anosmia; Low gonadotropins (secondary hypogonadism). Identifiers: Orphanet 432, MedGen C0271623, MONDO:0018555, HP:0000044.

Submission:

Reproductive Endocrine Unit, Massachusetts General Hospital
Classification: Pathogenic for HYPOGONADOTROPIC HYPOGONADISM. Last evaluated: 2024-06-25. Review status: criteria provided, single submitter. Criteria: ACMG Guidelines, 2015. Collection method: research. Allele origin: de novo. Affected: yes.
Comment: PVS1,PS2,PM2,PM4